The following is an entry in ClinVar:

ClinVar aggregate classification (germline): Uncertain significance (1 of 4 stars; one submission).

Conditions:
X-linked myopathy with excessive autophagy (AVM). Also called: Vacuolar myopathy; Autophagic vacuolar myopathy. Identifiers: Orphanet 25980, MedGen C1839615, MONDO:0010684, OMIM 310440.

Submission:

Labcorp Genetics (formerly Invitae), Labcorp
Classification: Uncertain significance for X-linked myopathy with excessive autophagy. Last evaluated: 2023-01-06. Review status: criteria provided, single submitter. Criteria: Invitae Variant Classification Sherloc (09022015). Collection method: clinical testing. Allele origin: germline.
Comment: This sequence change replaces aspartic acid, which is acidic and polar, with tyrosine, which is neutral and polar, at codon 63 of the VMA21 protein (p.Asp63Tyr). This variant is not present in population databases (gnomAD no frequency). This variant has not been reported in the literature in individuals affected with VMA21-related conditions. In summary, the available evidence is currently insufficient to determine the role of this variant in disease. Therefore, it has been classified as a Variant of Uncertain Significance. Algorithms developed to predict the effect of missense changes on protein structure and function are either unavailable or do not agree on the potential impact of this missense change (SIFT: "Not Available"; PolyPhen-2: "Probably Damaging"; Align-GVGD: "Not Available").

NM_001017980.4(VMA21):c.187G>T (p.Asp63Tyr)

Gene: VMA21 (vacuolar ATPase assembly factor VMA21; plus strand). Cytogenetic location: Xq28.
Variant type: single nucleotide variant.
Coding change: c.187G>T on transcript NM_001017980.4 (MANE Select); coding-DNA position 187, G replaced by T.
Protein change: p.Asp63Tyr; replaces aspartic acid 63 with tyrosine.
Molecular consequence: missense variant.
Genome position (GRCh38, 1-based): chrX:151,404,939, G>T. VCF-style: chrX-151404939-G-T. GRCh37 (hg19) VCF-style: chrX-150573411-G-T.
Other names: c.352G>T, p.Asp118Tyr (NM_001363810.1); short protein forms D63Y, D118Y.
Identifiers: ClinVar variation 2778040 (VCV002778040.3), dbSNP rs2520632476, ClinGen allele CA415271176.
Genomic context (GRCh38, chrX:151,404,939, plus strand): 5'-TGCAATAAAATGGAAACTGTTTTTTTTCTCTTGATAGGCGCCCTTGGGATGTCCAATAGG[G>T]ACAGCTATTTTTACGCTGCTATTGTTGCAGTGGTCGCCGTCCATGTGGTGCTGGCCCTCT-3'
Protein context (NP_001017980.1, residues 53-73): FEGALGMSNR[Asp63Tyr]SYFYAAIVAV